The following is an entry in ClinVar:

ClinVar aggregate classification (germline): Uncertain significance (1 of 4 stars; one submission).

gnomAD v4.1: 1 of 1,613,396 alleles (0.000062%); highest among the groups gnomAD compares: Non-Finnish European, 0.000085%; no homozygotes.

Submission:

Ambry Genetics
Classification: Uncertain significance. Last evaluated: 2025-04-06. Review status: criteria provided, single submitter. Criteria: Ambry Variant Classification Scheme 2023. Collection method: clinical testing. Allele origin: germline.
Comment: The p.S927F variant (also known as c.2780C>T), located in coding exon 11 of the WNK2 gene, results from a C to T substitution at nucleotide position 2780. The serine at codon 927 is replaced by phenylalanine, an amino acid with highly dissimilar properties. This amino acid position is conserved. In addition, this alteration is predicted to be tolerated by in silico analysis. Based on the available evidence, the clinical significance of this variant remains unclear.

NM_006648.4(WNK2):c.2780C>T (p.Ser927Phe)

Gene: WNK2 (WNK lysine deficient protein kinase 2; plus strand). Cytogenetic location: 9q22.31.
Variant type: single nucleotide variant.
Coding change: c.2780C>T on transcript NM_006648.4 (MANE Select); coding-DNA position 2780, C replaced by T.
Protein change: p.Ser927Phe; replaces serine 927 with phenylalanine.
Molecular consequence: missense variant.
Genome position (GRCh38, 1-based): chr9:93,259,328, C>T. VCF-style: chr9-93259328-C-T. GRCh37 (hg19) VCF-style: chr9-96021610-C-T.
Other names: c.2780C>T, p.Ser927Phe (NM_001282394.3); short protein forms S927F.
Identifiers: ClinVar variation 3981825 (VCV003981825.1).
Genomic context (GRCh38, chr9:93,259,328, plus strand): 5'-CAGGCCAACCTGTGTACCCAGCGGCCTTCCCACAGATGGCGCCTACTGACGTCCCTCCTT[C>T]CCCCCATCACACGGTGCAGAATATGAGGGCCACCCCTCCACAGCCGGCACTGCCTCCACA-3'
Protein context (NP_006639.3, residues 917-937): PQMAPTDVPP[Ser927Phe]PHHTVQNMRA